The following is an entry in ClinVar:

ClinVar aggregate classification (germline): Uncertain significance (1 of 4 stars; one submission).

Submission:

Labcorp Genetics (formerly Invitae), Labcorp
Classification: Uncertain significance. Last evaluated: 2020-03-14. Review status: criteria provided, single submitter. Criteria: Invitae Variant Classification Sherloc (09022015). Collection method: clinical testing. Allele origin: germline.
Comment: This sequence change replaces threonine with isoleucine at codon 585 of the PDE6A protein (p.Thr585Ile). The threonine residue is highly conserved and there is a moderate physicochemical difference between threonine and isoleucine. In summary, the available evidence is currently insufficient to determine the role of this variant in disease. Therefore, it has been classified as a Variant of Uncertain Significance. Algorithms developed to predict the effect of missense changes on protein structure and function are either unavailable or do not agree on the potential impact of this missense change (SIFT: "Not Available"; PolyPhen-2: "Probably Damaging"; Align-GVGD: "Not Available"). This variant has not been reported in the literature in individuals with PDE6A-related conditions. The frequency data for this variant in the population databases is not available, as this variant may be reported as separate entries in the ExAC database.

NM_000440.3(PDE6A):c.1754_1755delinsTT (p.Thr585Ile)

Gene: PDE6A (phosphodiesterase 6A; minus strand). Cytogenetic location: 5q32.
Variant type: Indel.
Coding change: c.1754_1755delinsTT on transcript NM_000440.3 (MANE Select); coding-DNA positions 1754 to 1755, CG replaced by TT.
Protein change: p.Thr585Ile; replaces threonine 585 with isoleucine.
Molecular consequence: missense variant.
Genome position (GRCh38, 1-based): chr5:149,886,348-149,886,349, CG replaced by AA on the plus strand (CG replaced by TT on the coding strand, the reverse complement: PDE6A is on the minus strand). VCF-style: chr5-149886348-CG-AA. GRCh37 (hg19) VCF-style: chr5-149265911-CG-AA.
Other names: short protein forms T585I.
Identifiers: ClinVar variation 1016226 (VCV001016226.7), dbSNP rs1752304250, ClinGen allele CA1590696002.